The following is an entry in ClinVar:

ClinVar aggregate classification (germline): Uncertain significance (1 of 4 stars; one submission).

Allele frequency attached by ClinVar (database versions not stated): TOPMed below 0.00001; gnomAD 0.00001.
gnomAD v4.1: 1 of 1,613,084 alleles (0.000062%); highest among the groups gnomAD compares: Non-Finnish European, 0.000085%; no homozygotes.

Submission:

Athena Diagnostics
Classification: Uncertain significance. Last evaluated: 2023-05-26. Review status: criteria provided, single submitter. Criteria: Athena Diagnostics Criteria. Collection method: clinical testing. Allele origin: unknown.
Comment: Available data are insufficient to determine the clinical significance of the variant at this time. The frequency of this variant in the general population is uninformative in assessment of its pathogenicity. Computational tools disagree on the variant's effect on normal protein function.

NM_001267550.2(TTN):c.61649C>T (p.Ser20550Leu)

Genes: TTN (titin; minus strand), TTN-AS1 (TTN antisense RNA 1; plus strand). Cytogenetic location: 2q31.2.
Variant type: single nucleotide variant.
Coding change: c.61649C>T on transcript NM_001267550.2 (MANE Select); coding-DNA position 61649, C replaced by T.
Protein change: p.Ser20550Leu; replaces serine 20550 with leucine.
Molecular consequence: missense variant.
Genome position (GRCh38, 1-based): chr2:178,590,076, G>A on the plus strand (C>T on the coding strand, the complement: TTN is on the minus strand). VCF-style: chr2-178590076-G-A. GRCh37 (hg19) VCF-style: chr2-179454803-G-A.
Other names: c.56726C>T, p.Ser18909Leu (NM_001256850.1); c.34454C>T, p.Ser11485Leu (NM_003319.4); c.53945C>T, p.Ser17982Leu (NM_133378.4); c.34829C>T, p.Ser11610Leu (NM_133432.3); c.35030C>T, p.Ser11677Leu (NM_133437.4); short protein forms S11485L, S11610L, S11677L, S17982L, S18909L, S20550L.
Identifiers: ClinVar variation 2684096 (VCV002684096.1), dbSNP rs2049883330, ClinGen allele CA349470636.
Genomic context (GRCh38, chr2:178,590,076, plus strand): 5'-GGTCTGTCAAGGACGTTAACGATGGCTGAACCTTGGGCATGTCCACTGCTGTTCTTAGCT[G>A]AGATGATATACTTGCCATGATCAGCTCTAACAGCTTCTTTAATTTGTAACTCAACACGAG-3'
Protein context (NP_001254479.2, residues 20540-20560): VRADHGKYII[Ser20550Leu]AKNSSGHAQG